The following is an entry in ClinVar:

NM_001365536.1(SCN9A):c.5492T>C (p.Val1831Ala)

Genes: SCN9A (sodium voltage-gated channel alpha subunit 9; minus strand), SCN1A-AS1 (SCN1A and SCN9A antisense RNA 1; plus strand). Cytogenetic location: 2q24.3.
Variant type: single nucleotide variant.
Coding change: c.5492T>C on transcript NM_001365536.1 (MANE Select); coding-DNA position 5492, T replaced by C.
Protein change: p.Val1831Ala; replaces valine 1831 with alanine.
Molecular consequence: missense variant.
Genome position (GRCh38, 1-based): chr2:166,199,147, A>G on the plus strand (T>C on the coding strand, the complement: SCN9A is on the minus strand). VCF-style: chr2-166199147-A-G. GRCh37 (hg19) VCF-style: chr2-167055657-A-G.
Other names: c.5459T>C, p.Val1820Ala (NM_002977.4); short protein forms V1820A, V1831A.
Identifiers: ClinVar variation 942082 (VCV000942082.10), dbSNP rs1693352141, ClinGen allele CA349052619.

ClinVar aggregate classification (germline): Uncertain significance. Review status: criteria provided, multiple submitters, no conflicts (2 of 4 stars). 2 submissions from 2 submitters: Uncertain significance (2). Last evaluated 2024-02-08.

Conditions:
Generalized epilepsy with febrile seizures plus, type 7 (GEFSP7). Also called: GEFS+, TYPE 7. Identifiers: Orphanet 36387, MedGen C2751778, MONDO:0013470, OMIM 613863.
Neuropathy, hereditary sensory and autonomic, type 2A (HSAN2A). Also called: HSAN IIA; MORVAN DISEASE; NEUROPATHY, CONGENITAL SENSORY; NEUROPATHY, HEREDITARY SENSORY RADICULAR, AUTOSOMAL RECESSIVE; NEUROPATHY, HEREDITARY SENSORY, TYPE IIA; NEUROPATHY, PROGRESSIVE SENSORY, OF CHILDREN. Identifiers: Orphanet 970, MedGen C2752089, MONDO:0024309, OMIM 201300.
Inborn genetic diseases. Identifiers: MedGen C0950123, MeSH D030342.

Allele frequency attached by ClinVar (database versions not stated): gnomAD exomes below 0.00001; TOPMed below 0.00001.
gnomAD v4.1: 1 of 1,614,120 alleles (0.000062%); highest among the groups gnomAD compares: Non-Finnish European, 0.000085%; no homozygotes.

Submissions (2):

Labcorp Genetics (formerly Invitae), Labcorp
Classification: Uncertain significance for Neuropathy, hereditary sensory and autonomic, type 2A; Generalized epilepsy with febrile seizures plus, type 7. Last evaluated: 2024-02-08. Review status: criteria provided, single submitter. Criteria: Invitae Variant Classification Sherloc (09022015). Collection method: clinical testing. Allele origin: germline.
Comment: This sequence change replaces valine, which is neutral and non-polar, with alanine, which is neutral and non-polar, at codon 1820 of the SCN9A protein (p.Val1820Ala). This variant is not present in population databases (gnomAD no frequency). This variant has not been reported in the literature in individuals affected with SCN9A-related conditions. ClinVar contains an entry for this variant (Variation ID: 942082). Advanced modeling of protein sequence and biophysical properties (such as structural, functional, and spatial information, amino acid conservation, physicochemical variation, residue mobility, and thermodynamic stability) performed at Invitae indicates that this missense variant is not expected to disrupt SCN9A protein function with a negative predictive value of 95%. In summary, the available evidence is currently insufficient to determine the role of this variant in disease. Therefore, it has been classified as a Variant of Uncertain Significance.

Ambry Genetics
Classification: Uncertain significance for Inborn genetic diseases. Last evaluated: 2020-10-30. Review status: criteria provided, single submitter. Criteria: Ambry Variant Classification Scheme 2023. Collection method: clinical testing. Allele origin: germline.
Comment: The c.5459T>C (p.V1820A) alteration is located in exon 27 (coding exon 26) of the SCN9A gene. This alteration results from a T to C substitution at nucleotide position 5459, causing the valine (V) at amino acid position 1820 to be replaced by an alanine (A). Based on data from the Genome Aggregation Database (gnomAD), the SCN9A c.5459T>C alteration was not observed among with coverage at this location. This amino acid position is highly conserved in available vertebrate species. The in silico prediction for the p.V1820A alteration is inconclusive. Based on insufficient or conflicting evidence, the clinical significance of this alteration remains unclear.